The following is an entry in ClinVar:

ClinVar aggregate classification (germline): Benign. Review status: criteria provided, multiple submitters, no conflicts (2 of 4 stars). 2 submissions from 2 submitters: Benign (2). Last evaluated 2018-01-12.

Conditions:
Neurofibromatosis, type 2 (SWNV). Also called: SCHWANNOMATOSIS, VESTIBULAR; BILATERAL ACOUSTIC NEUROFIBROMATOSIS; NF2-Related Schwannomatosis. Identifiers: Orphanet 637, MedGen C0027832, MONDO:0007039, OMIM 101000. Disease mechanism: loss of function.

Allele frequency attached by ClinVar (database versions not stated): 1000 Genomes Project 0.00799; 1000 Genomes Project 30x 0.00874; TOPMed 0.01855; gnomAD 0.01910 and 0.01965; gnomAD exomes 0.02050.
gnomAD v4.1: 4,271 of 220,216 alleles (1.9%); highest among the groups gnomAD compares: Non-Finnish European, 3%; 59 homozygotes.

Submissions (2):

Illumina Laboratory Services, Illumina
Classification: Benign for Neurofibromatosis, type 2. Last evaluated: 2018-01-12. Review status: criteria provided, single submitter. Criteria: ICSL Variant Classification Criteria 13 December 2019. Collection method: clinical testing. Allele origin: germline.
Comment: This variant was observed in the ICSL laboratory as part of a predisposition screen in an ostensibly healthy population. It had not been previously curated by ICSL or reported in the Human Gene Mutation Database (HGMD: prior to June 1st, 2018), and was therefore a candidate for classification through an automated scoring system. Utilizing variant allele frequency, disease prevalence and penetrance estimates, and inheritance mode, an automated score was calculated to assess if this variant is too frequent to cause the disease. Based on the score and internal cut-off values, a variant classified as benign is not then subjected to further curation. The score for this variant resulted in a classification of benign for this disease.

Breakthrough Genomics
Classification: Benign. Review status: criteria provided, single submitter. Criteria: ACMG Guidelines, 2015. Collection method: not provided. Allele origin: germline. Inheritance: Autosomal dominant inheritance. Affected: yes.

NM_000268.4(NF2):c.*3575G>A

Gene: NF2 (NF2, moesin-ezrin-radixin like (MERLIN) tumor suppressor; plus strand). Cytogenetic location: 22q12.2.
Variant type: single nucleotide variant.
Coding change: c.*3575G>A on transcript NM_000268.4 (MANE Select); 3575 bases downstream of the stop codon, G replaced by A.
Molecular consequence: 3 prime UTR variant. On other transcripts: non-coding transcript variant (1).
Genome position (GRCh38, 1-based): chr22:29,698,377, G>A. VCF-style: chr22-29698377-G-A. GRCh37 (hg19) VCF-style: chr22-30094366-G-A.
Other names: c.*3635G>A (NM_016418.5, NM_181828.3, NM_181829.3 and 1 more transcripts); c.*3650G>A (NM_181832.3); c.*3575G>A (NM_181833.3).
Identifiers: ClinVar variation 341172 (VCV000341172.6), dbSNP rs41278851, ClinGen allele CA10654025.
Genomic context (GRCh38, chr22:29,698,377, plus strand): 5'-GCAGTGTCTAAGTGTTCCTCACTGACAGGGTGGGGCCTCACCACCCCTGGAGGGAGCAGC[G>A]TTGGCAGGGAGACAGCCTGGCCCAGTGACCCTGGGCCCAAGCCAGCCCCTCCAGGGCTTT-3'